The following is an entry in ClinVar:

NM_203446.3(SYNJ1):c.-33C>T

Gene: SYNJ1 (synaptojanin 1; minus strand). Cytogenetic location: 21q22.11.
Variant type: single nucleotide variant.
Coding change: c.-33C>T on transcript NM_203446.3 (MANE Select); 33 bases upstream of the start codon, C replaced by T.
Molecular consequence: 5 prime UTR variant. On other transcripts: missense variant (1).
Genome position (GRCh38, 1-based): chr21:32,727,956, G>A on the plus strand (C>T on the coding strand, the complement: SYNJ1 is on the minus strand). VCF-style: chr21-32727956-G-A. GRCh37 (hg19) VCF-style: chr21-34100267-G-A.
Other names: c.85C>T, p.Arg29Trp (NM_003895.4); short protein forms R29W.
Identifiers: ClinVar variation 2043637 (VCV002043637.1), dbSNP rs1417267333, ClinGen allele CA410078646.

ClinVar aggregate classification (germline): Uncertain significance (1 of 4 stars; one submission).

Conditions:
Developmental and epileptic encephalopathy, 53. Also called: Epileptic encephalopathy, early infantile, 53. Identifiers: MedGen C4479313, MONDO:0033362, OMIM 617389.
Early-onset Parkinson disease 20. Also called: PARKINSON DISEASE 20, AUTOSOMAL RECESSIVE EARLY-ONSET. Identifiers: Orphanet 391411, MedGen C3809824, MONDO:0014233, OMIM 615530.

Allele frequency attached by ClinVar (database versions not stated): TOPMed below 0.00001.
gnomAD v4.1: 7 of 1,533,726 alleles (0.00046%); highest among the groups gnomAD compares: East Asian, 0.012%; no homozygotes.

Submission:

Labcorp Genetics (formerly Invitae), Labcorp
Classification: Uncertain significance for Developmental and epileptic encephalopathy, 53; Early-onset Parkinson disease 20. Last evaluated: 2022-06-14. Review status: criteria provided, single submitter. Criteria: Invitae Variant Classification Sherloc (09022015). Collection method: clinical testing. Allele origin: germline.
Comment: This sequence change replaces arginine, which is basic and polar, with tryptophan, which is neutral and slightly polar, at codon 29 of the SYNJ1 protein (p.Arg29Trp). This variant is not present in population databases (gnomAD no frequency). This variant has not been reported in the literature in individuals affected with SYNJ1-related conditions. Algorithms developed to predict the effect of missense changes on protein structure and function are either unavailable or do not agree on the potential impact of this missense change (SIFT: "Deleterious"; PolyPhen-2: "Possibly Damaging"; Align-GVGD: "Class C0"). In summary, the available evidence is currently insufficient to determine the role of this variant in disease. Therefore, it has been classified as a Variant of Uncertain Significance.